The following is an entry in ClinVar:

NM_022124.6(CDH23):c.5688G>T (p.Glu1896Asp)

Gene: CDH23 (cadherin related 23; plus strand). Cytogenetic location: 10q22.1.
Variant type: single nucleotide variant.
Coding change: c.5688G>T on transcript NM_022124.6 (MANE Select); coding-DNA position 5688, G replaced by T.
Protein change: p.Glu1896Asp; replaces glutamic acid 1896 with aspartic acid.
Molecular consequence: missense variant.
Genome position (GRCh38, 1-based): chr10:71,785,076, G>T. VCF-style: chr10-71785076-G-T. GRCh37 (hg19) VCF-style: chr10-73544833-G-T.
Other names: short protein forms E1896D.
Identifiers: ClinVar variation 5003119 (VCV005003119.1).
Genomic context (GRCh38, chr10:71,785,076, plus strand): 5'-TGACGCTGACAGTGGCTGCAATGCACGCCTCACCTTCAACATCACTGCGGGCAACCGCGA[G>T]CGGGCCTTCTTCATCAATGCCACGGTAGGGCCTAGACTGACCCCAGGGAGCTTCCCAGGG-3'
Protein context (NP_071407.4, residues 1886-1906): LTFNITAGNR[Glu1896Asp]RAFFINATTG

ClinVar aggregate classification (germline): Uncertain significance (1 of 4 stars; one submission).

Conditions:
Autosomal recessive nonsyndromic hearing loss 12. Also called: DEAFNESS, AUTOSOMAL RECESSIVE 12. Identifiers: Orphanet 90636, MedGen C1832394, MONDO:0011067, OMIM 601386.

gnomAD v4.1: 3 of 1,614,028 alleles (0.00019%); highest among the groups gnomAD compares: Non-Finnish European, 0.00025%; no homozygotes.

Submission:

OLLIN Analises Genomicas, OLLIN
Classification: Uncertain significance for Autosomal recessive nonsyndromic hearing loss 12. Last evaluated: 2026-08-06. Review status: criteria provided, single submitter. Criteria: ACMG Guidelines 2015 PMID 25741868. Collection method: clinical testing. Allele origin: germline. Inheritance: Autosomal recessive inheritance.
Comment: This missense variant, located in exon 43 (of 70), has been reported in ClinVar (accession VCV000725501.10) and in gnomAD with an allele frequency of 0.00019%. However, to our knowledge, it has not been reported in the scientific literature. In silico analysis predicts that this variant has a tolerated effect. According to the currently available evidence, this variant has been classified as uncertain significance (PM2_P, BP4_M).